The following is an entry in ClinVar:

ClinVar aggregate classification (germline): Uncertain significance (1 of 4 stars; one submission).

Conditions:
Methylmalonic aciduria and homocystinuria type cblF. Also called: COBALAMIN F DISEASE; COBALAMIN, DEFECT IN LYSOSOMAL RELEASE OF; METHYLMALONIC ACIDEMIA AND HOMOCYSTINURIA, cblF TYPE; METHYLMALONIC ACIDURIA DUE TO VITAMIN B12-RELEASE DEFECT; VITAMIN B12 LYSOSOMAL RELEASE DEFECT; VITAMIN B12 STORAGE DISEASE. Identifiers: Orphanet 79284, MedGen C1848578, MONDO:0010183, OMIM 277380.

Allele frequency attached by ClinVar (database versions not stated): gnomAD exomes 0.00001 and 0.00003; TOPMed 0.00001; ExAC 0.00002.
gnomAD v4.1: 7 of 1,596,130 alleles (0.00044%); highest among the groups gnomAD compares: East Asian, 0.013%; no homozygotes.

Submission:

Labcorp Genetics (formerly Invitae), Labcorp
Classification: Uncertain significance for Methylmalonic aciduria and homocystinuria type cblF. Last evaluated: 2024-08-13. Review status: criteria provided, single submitter. Criteria: Invitae Variant Classification Sherloc (09022015). Collection method: clinical testing. Allele origin: germline.
Comment: This sequence change replaces glutamic acid, which is acidic and polar, with glycine, which is neutral and non-polar, at codon 182 of the LMBRD1 protein (p.Glu182Gly). This variant is present in population databases (rs759703455, gnomAD 0.03%). This variant has not been reported in the literature in individuals affected with LMBRD1-related conditions. ClinVar contains an entry for this variant (Variation ID: 1512791). An algorithm developed to predict the effect of missense changes on protein structure and function (PolyPhen-2) suggests that this variant is likely to be tolerated. In summary, the available evidence is currently insufficient to determine the role of this variant in disease. Therefore, it has been classified as a Variant of Uncertain Significance.

NM_018368.4(LMBRD1):c.545A>G (p.Glu182Gly)

Gene: LMBRD1 (LMBR1 domain containing 1; minus strand). Cytogenetic location: 6q13.
Variant type: single nucleotide variant.
Coding change: c.545A>G on transcript NM_018368.4 (MANE Select); coding-DNA position 545, A replaced by G.
Protein change: p.Glu182Gly; replaces glutamic acid 182 with glycine.
Molecular consequence: missense variant.
Genome position (GRCh38, 1-based): chr6:69,741,806, T>C on the plus strand (A>G on the coding strand, the complement: LMBRD1 is on the minus strand). VCF-style: chr6-69741806-T-C. GRCh37 (hg19) VCF-style: chr6-70451698-T-C.
Other names: c.326A>G, p.Glu109Gly (NM_001363722.2, NM_001367271.1, NM_001367272.1); short protein forms E109G, E182G.
Identifiers: ClinVar variation 1512791 (VCV001512791.7), dbSNP rs759703455, ClinGen allele CA3879867.